The following is an entry in ClinVar:

NM_030962.4(SBF2):c.1072G>C (p.Val358Leu)

Gene: SBF2 (SET binding factor 2; minus strand). Cytogenetic location: 11p15.4.
Variant type: single nucleotide variant.
Coding change: c.1072G>C on transcript NM_030962.4 (MANE Select); coding-DNA position 1072, G replaced by C.
Protein change: p.Val358Leu; replaces valine 358 with leucine.
Molecular consequence: missense variant.
Genome position (GRCh38, 1-based): chr11:9,993,085, C>G on the plus strand (G>C on the coding strand, the complement: SBF2 is on the minus strand). VCF-style: chr11-9993085-C-G. GRCh37 (hg19) VCF-style: chr11-10014632-C-G.
Other names: p.Val358Leu; c.1072G>C, p.Val358Leu (NM_001386339.1, NM_001386342.1); c.1108G>C, p.Val370Leu (NM_001424318.1, NM_001425069.1, NM_001425070.1); short protein forms V358L, V370L.
Identifiers: ClinVar variation 3380011 (VCV003380011.1).
Genomic context (GRCh38, chr11:9,993,085, plus strand): 5'-TTATAAGTTGCAGGCAGGATCTATATCCTTGGAAGAGTTGTGCAAATAATCTAAGGAAAA[C>G]GGCTCGCACCTCTTTATCCTAAAAATATAAGAAGAAATGTTAGGTAATTTAACTTTTTAA-3'
Protein context (NP_112224.1, residues 348-368): SKMLDKEVRA[Val358Leu]FLRLFAQLFQ

ClinVar aggregate classification (germline): Uncertain significance (1 of 4 stars; one submission).

Submission:

Mayo Clinic Laboratories, Mayo Clinic
Classification: Uncertain significance. Last evaluated: 2024-01-05. Review status: criteria provided, single submitter. Criteria: ACMG Guidelines, 2015. Collection method: clinical testing. Allele origin: germline. Observed: 1 variant allele.
Comment: BP4, PM2_moderate